The following is an entry in ClinVar:

ClinVar aggregate classification (germline): Pathogenic (1 of 4 stars; one submission).

Conditions:
Aniridia 1 (AN1). Identifiers: Orphanet 250923, MedGen C0344542, MONDO:0024507, OMIM 106210.

Submission:

MVZ Medizinische Genetik Mainz
Classification: Pathogenic for Aniridia 1. Last evaluated: 2025-06-27. Review status: criteria provided, single submitter. Criteria: UK Practice Guidelines For Variant Classification V4 01 2020. Collection method: clinical testing. Allele origin: germline. Inheritance: Autosomal dominant inheritance. Affected: yes. Observed: 1 variant allele.
Comment: ACMG Criteria: PVS1,PS1_SUP,PM2_SUP,PP4

NM_001368894.2(PAX6):c.1074+2T>C

Gene: PAX6 (paired box 6; minus strand). Cytogenetic location: 11p13.
Variant type: single nucleotide variant.
Coding change: c.1074+2T>C on transcript NM_001368894.2 (MANE Select); the canonical splice donor site of the intron after coding-DNA position 1074, T replaced by C.
Molecular consequence: splice donor variant. On other transcripts: missense variant (1).
Genome position (GRCh38, 1-based): chr11:31,793,436, A>G on the plus strand (T>C on the coding strand, the complement: PAX6 is on the minus strand). VCF-style: chr11-31793436-A-G. GRCh37 (hg19) VCF-style: chr11-31814984-A-G.
Other names: c.831+2T>C (NM_001368928.2); c.1032+2T>C (NM_001368916.2, NM_001258465.3, NM_001368889.2 and 9 more transcripts); c.873+2T>C (NM_001368925.2, NM_001368924.2, NM_001368921.2 and 4 more transcripts); c.1074+2T>C (NM_001368913.2, NM_001368892.2, NM_001258462.3 and 6 more transcripts); c.624+2T>C (NM_001368905.2, NM_001368906.2, NM_001368908.2 and 11 more transcripts); c.1107+2T>C (NM_001368920.2); c.1149+2T>C (NM_001368918.2, NM_001368919.2); c.429+2T>C (NM_001368930.2); and 3 more; short protein forms V345A.
Identifiers: ClinVar variation 4072228 (VCV004072228.1).